The following is an entry in ClinVar:

NM_000130.5(F5):c.106G>A (p.Val36Met)

Gene: F5 (coagulation factor V; minus strand). Cytogenetic location: 1q24.2.
Variant type: single nucleotide variant.
Coding change: c.106G>A on transcript NM_000130.5 (MANE Select); coding-DNA position 106, G replaced by A.
Protein change: p.Val36Met; replaces valine 36 with methionine.
Molecular consequence: missense variant.
Genome position (GRCh38, 1-based): chr1:169,586,281, C>T on the plus strand (G>A on the coding strand, the complement: F5 is on the minus strand). VCF-style: chr1-169586281-C-T. GRCh37 (hg19) VCF-style: chr1-169555519-C-T.
Other names: short protein forms V36M.
Identifiers: ClinVar variation 710594 (VCV000710594.9), dbSNP rs147487854, ClinGen allele CA1234738.
Genomic context (GRCh38, chr1:169,586,281, plus strand): 5'-TGAGTTACCTTGAGTTTGTGGGCTCAGGTCGGTAGCTCCAACTGATGCCCTGAGCAGCCA[C>T]GTAGAACTGCCTTAGCTGTGCCGCTTCTGTCCCTTGGCTCCCCCAGCCTACCCAGCTGGT-3'
Protein context (NP_000121.2, residues 26-46): TEAAQLRQFY[Val36Met]AAQGISWSYR

ClinVar aggregate classification (germline): Conflicting classifications of pathogenicity. Review status: criteria provided, conflicting classifications (1 of 4 stars). 2 submissions from 2 submitters: Uncertain significance (1); Likely benign (1). Last evaluated 2025-11-18.

Conditions:
Inborn genetic diseases. Identifiers: MedGen C0950123, MeSH D030342.
Congenital factor V deficiency. Also called: LABILE FACTOR DEFICIENCY; Hereditary factor V deficiency disease; OWREN PARAHEMOPHILIA; PARAHEMOPHILIA. Identifiers: Orphanet 326, MedGen C0015499, MONDO:0009210, OMIM 227400.

Allele frequency attached by ClinVar (database versions not stated): gnomAD exomes 0.00014; 1000 Genomes Project 0.00060; 1000 Genomes Project 30x 0.00078; gnomAD 0.00138 and 0.00150; TOPMed 0.00168; ESP Exome Variant Server 0.00185.
gnomAD v4.1: 413 of 1,614,202 alleles (0.026%); highest among the groups gnomAD compares: African/African-American, 0.48%; no homozygotes.

Submissions (2):

Labcorp Genetics (formerly Invitae), Labcorp
Classification: Likely benign for Congenital factor V deficiency. Last evaluated: 2025-11-18. Review status: criteria provided, single submitter. Criteria: Invitae Variant Classification Sherloc (09022015). Collection method: clinical testing. Allele origin: germline.

Ambry Genetics
Classification: Uncertain significance for Inborn genetic diseases. Last evaluated: 2024-03-15. Review status: criteria provided, single submitter. Criteria: Ambry Variant Classification Scheme 2023. Collection method: clinical testing. Allele origin: germline.
Comment: The p.V36M variant (also known as c.106G>A), located in coding exon 1 of the F5 gene, results from a G to A substitution at nucleotide position 106. The valine at codon 36 is replaced by methionine, an amino acid with highly similar properties. This amino acid position is conserved. In addition, the in silico prediction for this alteration is inconclusive. Since supporting evidence is limited at this time, the clinical significance of this alteration remains unclear.